The following is an entry in ClinVar:

ClinVar aggregate classification (germline): Uncertain significance (1 of 4 stars; one submission).

Submission:

Labcorp Genetics (formerly Invitae), Labcorp
Classification: Uncertain significance. Last evaluated: 2025-12-15. Review status: criteria provided, single submitter. Criteria: Invitae Variant Classification Sherloc (09022015). Collection method: clinical testing. Allele origin: germline.
Comment: This sequence change falls in intron 19 of the TBC1D8B gene. It does not directly change the encoded amino acid sequence of the TBC1D8B protein. It affects a nucleotide within the consensus splice site. This variant is present in population databases (rs778429084, gnomAD 0.06%), and has an allele count higher than expected for a pathogenic variant. This variant has not been reported in the literature in individuals affected with TBC1D8B-related conditions. Variants that disrupt the consensus splice site are a relatively common cause of aberrant splicing (PMID: 17576681, 9536098). Algorithms developed to predict the effect of sequence changes on RNA splicing suggest that this variant is not likely to affect RNA splicing. In summary, the available evidence is currently insufficient to determine the role of this variant in disease. Therefore, it has been classified as a Variant of Uncertain Significance.

Literature cited by the submitters: PubMed 17576681; PubMed 9536098.

NM_017752.3(TBC1D8B):c.2869+4C>T

Gene: TBC1D8B (TBC1 domain family member 8B; plus strand). Cytogenetic location: Xq22.3.
Variant type: single nucleotide variant.
Coding change: c.2869+4C>T on transcript NM_017752.3 (MANE Select); 4 bases into the intron after coding-DNA position 2869, C replaced by T.
Molecular consequence: intron variant.
Genome position (GRCh38, 1-based): chrX:106,869,545, C>T. VCF-style: chrX-106869545-C-T. GRCh37 (hg19) VCF-style: chrX-106112775-C-T.
Other names: c.2719+4C>T (NM_001441214.1); c.2575+4C>T (NM_001441215.1).
Identifiers: ClinVar variation 4704651 (VCV004704651.1).
Genomic context (GRCh38, chrX:106,869,545, plus strand): 5'-TTTCCAAGCCTGCAAATGAGAAGGAAGCAGAATCAGCAAAACACAGCCCTGAAAAAGGTA[C>T]TATGATCTAGGAGTTATCATTTAATTTATTTAGTTATTTTTATGTAAATAAGGATAGCTA-3'